The following is an entry in ClinVar:

NM_001170629.2(CHD8):c.1811T>C (p.Val604Ala)

Gene: CHD8 (chromodomain helicase DNA binding protein 8; minus strand). Cytogenetic location: 14q11.2.
Variant type: single nucleotide variant.
Coding change: c.1811T>C on transcript NM_001170629.2 (MANE Select); coding-DNA position 1811, T replaced by C.
Protein change: p.Val604Ala; replaces valine 604 with alanine.
Molecular consequence: missense variant.
Genome position (GRCh38, 1-based): chr14:21,415,813, A>G on the plus strand (T>C on the coding strand, the complement: CHD8 is on the minus strand). VCF-style: chr14-21415813-A-G. GRCh37 (hg19) VCF-style: chr14-21883972-A-G.
Other names: c.974T>C, p.Val325Ala (NM_020920.4); short protein forms V325A, V604A.
Identifiers: ClinVar variation 1780600 (VCV001780600.5), dbSNP rs1485668022, ClinGen allele CA388879725.
Genomic context (GRCh38, chr14:21,415,813, plus strand): 5'-TCGCCATCTGGTTCTTGCACTGGTTCAGGGAGGATAGGCTCAGGTTTTATTGGACCAGTT[A>G]CATCCACCTCTTCTTCTTCTTCATCATCTGTGATCTTTATATCCAGGTCCTCTGTATATT-3'
Protein context (NP_001164100.1, residues 594-614): TDDEEEEEVD[Val604Ala]TGPIKPEPIL

ClinVar aggregate classification (germline): Uncertain significance. Review status: criteria provided, multiple submitters, no conflicts (2 of 4 stars). 2 submissions from 2 submitters: Uncertain significance (2). Last evaluated 2025-07-28.

Conditions:
Intellectual developmental disorder with autism and macrocephaly. Also called: CHD8-Related Neurodevelopmental Disorder with Overgrowth; Autism, susceptibility to, 18. Identifiers: Orphanet 642675, MedGen C3554373, MONDO:0014017, OMIM 615032.
Inborn genetic diseases. Identifiers: MedGen C0950123, MeSH D030342.

Allele frequency attached by ClinVar (database versions not stated): gnomAD exomes below 0.00001; TOPMed below 0.00001; gnomAD 0.00001.
gnomAD v4.1: 5 of 1,613,818 alleles (0.00031%); highest among the groups gnomAD compares: Non-Finnish European, 0.00042%; no homozygotes.

Submissions (2):

Revvity Omics, Revvity
Classification: Uncertain significance for Intellectual developmental disorder with autism and macrocephaly. Last evaluated: 2025-07-28. Review status: criteria provided, single submitter. Criteria: ACMG Guidelines, 2015. Collection method: clinical testing. Allele origin: germline.

Ambry Genetics
Classification: Uncertain significance for Inborn genetic diseases. Last evaluated: 2020-06-10. Review status: criteria provided, single submitter. Criteria: Ambry Variant Classification Scheme 2023. Collection method: clinical testing. Allele origin: germline.
Comment: The p.V604A variant (also known as c.1811T>C), located in coding exon 5 of the CHD8 gene, results from a T to C substitution at nucleotide position 1811. The valine at codon 604 is replaced by alanine, an amino acid with similar properties. This amino acid position is well conserved in available vertebrate species. In addition, this alteration is predicted to be tolerated by in silico analysis. Since supporting evidence is limited at this time, the clinical significance of this alteration remains unclear.